The following is an entry in ClinVar:

ClinVar aggregate classification (germline): Uncertain significance (1 of 4 stars; one submission).

Conditions:
Ritscher-Schinzel syndrome 4. Identifiers: MedGen C5561939, MONDO:0030331, OMIM 619435.

Submission:

Dasa
Classification: Uncertain significance for Ritscher-Schinzel syndrome 4. Last evaluated: 2025-11-24. Review status: criteria provided, single submitter. Criteria: DASA Assertion Criteria. Collection method: clinical testing. Allele origin: germline.
Comment: NM_020134.4(DPYSL5):c.1195G>A (p.Asp399Asn) is a missense variant that results in the substitution of aspartic acid with asparagine. This variant is rare in population databases. Computational prediction algorithms are consistent with a deleterious effect. The currently available literature and clinical evidence are not sufficient to establish a definitive association between this variant and the reported condition. Therefore, this variant is classified as a variant of uncertain significance.

NM_020134.4(DPYSL5):c.1195G>A (p.Asp399Asn)

Gene: DPYSL5 (dihydropyrimidinase like 5; plus strand). Cytogenetic location: 2p23.3.
Variant type: single nucleotide variant.
Coding change: c.1195G>A on transcript NM_020134.4 (MANE Select); coding-DNA position 1195, G replaced by A.
Protein change: p.Asp399Asn; replaces aspartic acid 399 with asparagine.
Molecular consequence: missense variant.
Genome position (GRCh38, 1-based): chr2:26,942,055, G>A. VCF-style: chr2-26942055-G-A. GRCh37 (hg19) VCF-style: chr2-27164923-G-A.
Other names: c.1195G>A, p.Asp399Asn (NM_001253723.2, NM_001253724.2); short protein forms D399N.
Identifiers: ClinVar variation 4882017 (VCV004882017.2).